The following is an entry in ClinVar:

NM_003718.5(CDK13):c.3168C>A (p.Thr1056=)

Gene: CDK13 (cyclin dependent kinase 13; plus strand). Cytogenetic location: 7p14.1.
Variant type: single nucleotide variant.
Coding change: c.3168C>A on transcript NM_003718.5 (MANE Select); coding-DNA position 3168, C replaced by A.
Protein change: p.Thr1056=; no amino-acid change (threonine 1056 retained).
Molecular consequence: synonymous variant.
Genome position (GRCh38, 1-based): chr7:40,088,264, C>A. VCF-style: chr7-40088264-C-A. GRCh37 (hg19) VCF-style: chr7-40127863-C-A.
Other names: c.3168C>A, p.Thr1056= (NM_031267.4).
Identifiers: ClinVar variation 762347 (VCV000762347.17), dbSNP rs143012815, ClinGen allele CA4228884.

ClinVar aggregate classification (germline): Benign/Likely benign. Review status: criteria provided, multiple submitters, no conflicts (2 of 4 stars). 4 submissions from 4 submitters: Benign (1); Likely benign (2). 1 of the submissions does not count toward it. Last evaluated 2026-04-01.

Conditions:
CDK13-related disorder. Also called: CDK13-related condition. Identifiers: MedGen C5816700.

Allele frequency attached by ClinVar (database versions not stated): 1000 Genomes Project 0.00020; TOPMed 0.00037; ExAC 0.00044; ESP Exome Variant Server 0.00046; 1000 Genomes Project 30x 0.00047; gnomAD 0.00047 and 0.00048; gnomAD exomes 0.00052.
gnomAD v4.1: 723 of 1,614,120 alleles (0.045%); highest among the groups gnomAD compares: Admixed American, 0.048%; no homozygotes.

Submissions (4):

CeGaT Center for Human Genetics Tuebingen
Classification: Likely benign. Last evaluated: 2026-04-01. Review status: criteria provided, single submitter. Criteria: CeGaT Center For Human Genetics Tuebingen Variant Classification Criteria Version 2. Collection method: clinical testing. Allele origin: germline. Affected: yes. Observed: 3 variant alleles.
Comment: CDK13: BP4, BP7

Labcorp Genetics (formerly Invitae), Labcorp
Classification: Benign. Last evaluated: 2025-12-23. Review status: criteria provided, single submitter. Criteria: Invitae Variant Classification Sherloc (09022015). Collection method: clinical testing. Allele origin: germline.

Blueprint Genetics
Classification: Likely benign. Last evaluated: 2024-05-28. Review status: criteria provided, single submitter. Criteria: ACMG Guidelines, 2015. Collection method: clinical testing. Allele origin: germline.

PreventionGenetics, part of Exact Sciences
Classification: Benign for CDK13-related condition. Last evaluated: 2019-02-21. Review status: no assertion criteria provided. Collection method: clinical testing. Allele origin: germline. Not counted in ClinVar's aggregate classification.
Comment: This variant is classified as benign based on ACMG/AMP sequence variant interpretation guidelines (Richards et al. 2015 PMID: 25741868, with internal and published modifications).